The following is an entry in ClinVar:

NM_080621.5(SAMD10):c.92-4A>G

Gene: SAMD10 (sterile alpha motif domain containing 10; minus strand). Cytogenetic location: 20q13.33.
Variant type: single nucleotide variant.
Coding change: c.92-4A>G on transcript NM_080621.5 (MANE Select); 4 bases into the intron before coding-DNA position 92, A replaced by G.
Molecular consequence: intron variant.
Genome position (GRCh38, 1-based): chr20:63,977,410, T>C on the plus strand (A>G on the coding strand, the complement: SAMD10 is on the minus strand). VCF-style: chr20-63977410-T-C. GRCh37 (hg19) VCF-style: chr20-62608763-T-C.
Identifiers: ClinVar variation 2572952 (VCV002572952.1), dbSNP rs143245152, ClinGen allele CA2580616365.

ClinVar aggregate classification (germline): Likely benign (1 of 4 stars; one submission).

Submission:

GeneDx
Classification: Likely benign. Last evaluated: 2023-07-11. Review status: criteria provided, single submitter. Criteria: GeneDx Variant Classification Process June 2021. Collection method: clinical testing. Allele origin: germline. Affected: yes.
Comment: Not observed in large population cohorts (gnomAD); In silico analysis supports that this variant does not alter splicing; Nucleotide substitution has no predicted effect on splicing and is not conserved across species; Has not been previously published as pathogenic or benign to our knowledge